The following is an entry in ClinVar:

ClinVar aggregate classification (germline): Uncertain significance. Review status: criteria provided, multiple submitters, no conflicts (2 of 4 stars). 2 submissions from 2 submitters: Uncertain significance (2). Last evaluated 2025-07-18.

Conditions:
Hereditary cancer-predisposing syndrome. Also called: Hereditary neoplastic syndrome; Neoplastic Syndromes, Hereditary; Tumor predisposition; Hereditary Cancer Syndrome. Identifiers: Orphanet 140162, MedGen C0027672, MeSH D009386, MONDO:0015356.
Microcephaly, normal intelligence and immunodeficiency (NBS). Also called: IMMUNODEFICIENCY, MICROCEPHALY, AND CHROMOSOMAL INSTABILITY; SEEMANOVA SYNDROME II; Nijmegen breakage syndrome; Microcephaly with normal intelligence immunodeficiency and lymphoreticular malignancies; Nonsyndromal microcephaly autosomal recessive with normal intelligence; Seemanova syndrome 2. Identifiers: Orphanet 647, MedGen C0398791, MONDO:0009623, OMIM 251260.

Submissions (2):

Ambry Genetics
Classification: Uncertain significance for Hereditary cancer-predisposing syndrome. Last evaluated: 2025-07-18. Review status: criteria provided, single submitter. Criteria: Ambry Variant Classification Scheme 2023. Collection method: clinical testing. Allele origin: germline.
Comment: The p.S330G variant (also known as c.988A>G), located in coding exon 8 of the NBN gene, results from an A to G substitution at nucleotide position 988. The serine at codon 330 is replaced by glycine, an amino acid with similar properties. This amino acid position is conserved. In addition, this alteration is predicted to be tolerated by in silico analysis. Based on the available evidence, the clinical significance of this variant remains unclear.

Labcorp Genetics (formerly Invitae), Labcorp
Classification: Uncertain significance for Microcephaly, normal intelligence and immunodeficiency. Last evaluated: 2021-08-26. Review status: criteria provided, single submitter. Criteria: Invitae Variant Classification Sherloc (09022015). Collection method: clinical testing. Allele origin: germline.
Comment: This sequence change replaces serine with glycine at codon 330 of the NBN protein (p.Ser330Gly). The serine residue is weakly conserved and there is a small physicochemical difference between serine and glycine. This variant is not present in population databases (ExAC no frequency). This variant has not been reported in the literature in individuals affected with NBN-related conditions. Algorithms developed to predict the effect of missense changes on protein structure and function output the following: SIFT: "Tolerated"; PolyPhen-2: "Benign"; Align-GVGD: "Class C0". The glycine amino acid residue is found in multiple mammalian species, which suggests that this missense change does not adversely affect protein function. In summary, the available evidence is currently insufficient to determine the role of this variant in disease. Therefore, it has been classified as a Variant of Uncertain Significance.

NM_002485.5(NBN):c.988A>G (p.Ser330Gly)

Gene: NBN (nibrin; minus strand). Cytogenetic location: 8q21.3.
Variant type: single nucleotide variant.
Coding change: c.988A>G on transcript NM_002485.5 (MANE Select); coding-DNA position 988, A replaced by G.
Protein change: p.Ser330Gly; replaces serine 330 with glycine.
Molecular consequence: missense variant.
Genome position (GRCh38, 1-based): chr8:89,964,416, T>C on the plus strand (A>G on the coding strand, the complement: NBN is on the minus strand). VCF-style: chr8-89964416-T-C. GRCh37 (hg19) VCF-style: chr8-90976644-T-C.
Other names: c.742A>G, p.Ser248Gly (NM_001024688.3); short protein forms S330G, S248G.
Identifiers: ClinVar variation 461592 (VCV000461592.7), dbSNP rs1554562092, ClinGen allele CA371656849.